The following is an entry in ClinVar:

ClinVar aggregate classification (germline): Uncertain significance (1 of 4 stars; one submission).

Conditions:
Isolated microphthalmia 6. Also called: MICROPHTHALMIA, POSTERIOR NONSYNDROMIC. Identifiers: Orphanet 2542, MedGen C3150757, MONDO:0013293, OMIM 613517.

Submission:

Labcorp Genetics (formerly Invitae), Labcorp
Classification: Uncertain significance for Isolated microphthalmia 6. Last evaluated: 2022-06-14. Review status: criteria provided, single submitter. Criteria: Invitae Variant Classification Sherloc (09022015). Collection method: clinical testing. Allele origin: germline.
Comment: In summary, the available evidence is currently insufficient to determine the role of this variant in disease. Therefore, it has been classified as a Variant of Uncertain Significance. This variant disrupts a region of the PRSS56 protein in which other variant(s) (p.Arg480Pro) have been observed in individuals with PRSS56-related conditions (PMID: 32830442). This suggests that this is a clinically significant region of the protein, and that variants that disrupt it are likely to be disease-causing. Experimental studies and prediction algorithms are not available or were not evaluated, and the functional significance of this variant is currently unknown. This variant has not been reported in the literature in individuals affected with PRSS56-related conditions. This variant is present in population databases (no rsID available, gnomAD 0.008%). This variant, c.1429_1443del, results in the deletion of 5 amino acid(s) of the PRSS56 protein (p.Glu477_Gln481del), but otherwise preserves the integrity of the reading frame.

Literature cited by the submitters: PubMed 32830442.

NM_001195129.2(PRSS56):c.1429_1443del (p.Glu477_Gln481del)

Gene: PRSS56 (serine protease 56; plus strand). Cytogenetic location: 2q37.1.
Variant type: Deletion.
Coding change: c.1429_1443del on transcript NM_001195129.2 (MANE Select); coding-DNA positions 1429 to 1443, 15 bases deleted (GAGCCCCTGCGACAG).
Protein change: p.Glu477_Gln481del.
Molecular consequence: inframe deletion.
Genome position (GRCh38, 1-based): chr2:232,524,752-232,524,766, GAGCCCCTGCGACAG deleted; deleting any 15 consecutive bases within chr2:232,524,751-232,524,766 gives the same sequence; the c. name uses the placement nearest the transcript's 3' end. VCF-style (leftmost placement, unchanged base first): chr2-232524750-TGGAGCCCCTGCGACA-T. GRCh37 (hg19) VCF-style: chr2-233389460-TGGAGCCCCTGCGACA-T.
Other names: c.1432_1446del, p.Glu478_Gln482del (NM_001369848.1).
Identifiers: ClinVar variation 1915794 (VCV001915794.5), dbSNP rs1387727553, ClinGen allele CA539997847.
Genomic context (GRCh38, chr2:232,524,750, plus strand): 5'-CCATACCGCAACCGTTCATTATTCCCGGGGCCTCTCCTCTTCCTCCAGGCTGCCCTGGGC[TGGAGCCCCTGCGACA>T]GAAGTTGGCTGCCCTGCAGGGGGCCCATGCCTGGATCCTGCAGGTCCCCTCGGAGCACCT-3'